The following is an entry in ClinVar:

NM_022051.3(EGLN1):c.1240C>T (p.Leu414Phe)

Gene: EGLN1 (egl-9 family hypoxia inducible factor 1; minus strand). Cytogenetic location: 1q42.2.
Variant type: single nucleotide variant.
Coding change: c.1240C>T on transcript NM_022051.3 (MANE Select); coding-DNA position 1240, C replaced by T.
Protein change: p.Leu414Phe; replaces leucine 414 with phenylalanine.
Molecular consequence: missense variant. On other transcripts: 3 prime UTR variant (2).
Genome position (GRCh38, 1-based): chr1:231,366,452, G>A on the plus strand (C>T on the coding strand, the complement: EGLN1 is on the minus strand). VCF-style: chr1-231366452-G-A. GRCh37 (hg19) VCF-style: chr1-231502198-G-A.
Other names: c.*20C>T (NM_001377260.1); c.*65C>T (NM_001377261.1); short protein forms L414F.
Identifiers: ClinVar variation 1758215 (VCV001758215.3), dbSNP rs768683806, ClinGen allele CA1452963.
Genomic context (GRCh38, chr1:231,366,452, plus strand): 5'-TATTGCTGGATCAAAGGCTCTAGAAGACGTCTTTACCGACCGAATCTGAAGGTTTATTGA[G>A]TTCAACCCTCACACCTTTTTCACCTGCAAGGTAAAAAAAAAAAAAATTTTCATTCATTCA-3'
Protein context (NP_071334.1, residues 404-424): LTGEKGVRVE[Leu414Phe]NKPSDSVGKD

ClinVar aggregate classification (germline): Uncertain significance (1 of 4 stars; one submission).

Allele frequency attached by ClinVar (database versions not stated): ExAC 0.00001.
gnomAD v4.1: 3 of 1,613,226 alleles (0.00019%); no homozygotes.

Submission:

Ambry Genetics
Classification: Uncertain significance. Last evaluated: 2023-09-01. Review status: criteria provided, single submitter. Criteria: Ambry Variant Classification Scheme 2023. Collection method: clinical testing. Allele origin: germline.
Comment: The p.L414F variant (also known as c.1240C>T), located in coding exon 5 of the EGLN1 gene, results from a C to T substitution at nucleotide position 1240. The leucine at codon 414 is replaced by phenylalanine, an amino acid with highly similar properties. This amino acid position is conserved. In addition, the in silico prediction for this alteration is inconclusive. Since supporting evidence is limited at this time, the clinical significance of this alteration remains unclear.